The following is an entry in ClinVar:

ClinVar aggregate classification (germline): Uncertain significance (3 of 4 stars; one submission).

Conditions:
Mucopolysaccharidosis type 1. Also called: IDUA deficiency; MPS I. Identifiers: Orphanet 579, MedGen C0023786, MONDO:0001586.

Submission:

ClinGen Lysosomal Storage Disorder Variant Curation Expert Panel
Classification: Uncertain significance for Mucopolysaccharidosis type 1. Last evaluated: 2024-12-05. Review status: reviewed by expert panel. Criteria: ClinGen LSD ACMG Specifications IDUA V1.0.0. Collection method: curation. Allele origin: germline. Inheritance: Autosomal recessive inheritance.
Comment: The NM_000203.5:c.1726A>G variant in IDUA is predicted to result in a missense change, p.Lys576Glu. To our knowledge, this variant has not been reported in the literature. One patient, with IDUA activity in the affected range, short stature and GI issues, was reported in a clinical diagnostic laboratory. This patient is compound heterozygous for the variant and a variant that has been classified as pathogenic by the ClinGen Lysosomal Diseases VCEP; phase is unconfirmed (PM3_Supporting). The variant is absent in gnomAD v4.1.0. (PM2_Supporting). The computational predictor REVEL gives a score of 0.494 which is neither above nor below the thresholds predicting a damaging (>0.644) or benign (<0.29) impact on IDUA function. Although the variant occurs 2 base pairs upstream from the donor splice junction of exon 12/intron 12, no significant impact on splicing is predicted by SpliceAI (score for donor loss = 0.11). In summary, this variant meets the criteria to be classified as a variant of uncertain significance for Mucopolysaccharidosis type I. IDUA-specific ACMG/AMP criteria applied, as specified by the ClinGen Lysosomal Diseases Variant Curation Expert Panel (Specifications Version 1.0.0.): PM2_Supporting, PM3_Supporting. (Classification approved by the ClinGen Lysosomal Diseases Variant Curation Expert Panel on December 5, 2024)

NM_000203.5(IDUA):c.1726A>G (p.Lys576Glu)

Gene: IDUA (alpha-L-iduronidase; plus strand). Cytogenetic location: 4p16.3.
Variant type: single nucleotide variant.
Coding change: c.1726A>G on transcript NM_000203.5 (MANE Select); coding-DNA position 1726, A replaced by G.
Protein change: p.Lys576Glu; replaces lysine 576 with glutamic acid.
Molecular consequence: missense variant. On other transcripts: non-coding transcript variant (1).
Genome position (GRCh38, 1-based): chr4:1,003,624, A>G. VCF-style: chr4-1003624-A-G. GRCh37 (hg19) VCF-style: chr4-997412-A-G.
Other names: NM_001363576.1:c.1330A>G; c.1330A>G, p.Lys444Glu (NM_001363576.1); short protein forms K444E, K576E.
Identifiers: ClinVar variation 3775044 (VCV003775044.1).